The following is an entry in ClinVar:

NM_001754.5(RUNX1):c.1337T>C (p.Leu446Pro)

Gene: RUNX1 (RUNX family transcription factor 1; minus strand). Cytogenetic location: 21q22.12.
Variant type: single nucleotide variant.
Coding change: c.1337T>C on transcript NM_001754.5 (MANE Select); coding-DNA position 1337, T replaced by C.
Protein change: p.Leu446Pro; replaces leucine 446 with proline.
Molecular consequence: missense variant.
Genome position (GRCh38, 1-based): chr21:34,792,241, A>G on the plus strand (T>C on the coding strand, the complement: RUNX1 is on the minus strand). VCF-style: chr21-34792241-A-G. GRCh37 (hg19) VCF-style: chr21-36164538-A-G.
Other names: c.1256T>C, p.Leu419Pro (NM_001001890.3); short protein forms L419P, L446P.
Identifiers: ClinVar variation 4629716 (VCV004629716.1).

ClinVar aggregate classification (germline): Uncertain significance (1 of 4 stars; one submission).

Conditions:
Inborn genetic diseases. Identifiers: MedGen C0950123, MeSH D030342.

Submission:

Ambry Genetics
Classification: Uncertain significance for Inborn genetic diseases. Last evaluated: 2025-11-30. Review status: criteria provided, single submitter. Criteria: Ambry Variant Classification Scheme 2023. Collection method: clinical testing. Allele origin: germline.
Comment: The p.L446P variant (also known as c.1337T>C), located in coding exon 8 of the RUNX1 gene, results from a T to C substitution at nucleotide position 1337. The leucine at codon 446 is replaced by proline, an amino acid with similar properties. This amino acid position is conserved. In addition, the in silico prediction for this alteration is inconclusive. Based on the available evidence, the clinical significance of this variant remains unclear.